The following is an entry in ClinVar:

NM_130384.3(ATRIP):c.2368T>A (p.Cys790Ser)

Genes: ATRIP (ATR interacting protein; plus strand), ATRIP-TREX1 (ATRIP-TREX1 readthrough; plus strand). Cytogenetic location: 3p21.31.
Variant type: single nucleotide variant.
Coding change: c.2368T>A on transcript NM_130384.3 (MANE Select); coding-DNA position 2368, T replaced by A.
Protein change: p.Cys790Ser; replaces cysteine 790 with serine.
Molecular consequence: missense variant. On other transcripts: non-coding transcript variant (1).
Genome position (GRCh38, 1-based): chr3:48,465,546, T>A. VCF-style: chr3-48465546-T-A. GRCh37 (hg19) VCF-style: chr3-48506945-T-A.
Other names: c.-790T>A (NM_033629.4); c.1987T>A, p.Cys663Ser (NM_001271022.2); c.2089T>A, p.Cys697Ser (NM_001271023.2); c.2287T>A, p.Cys763Ser (NM_032166.4); short protein forms C663S, C697S, C763S, C790S.
Identifiers: ClinVar variation 4867242 (VCV004867242.1).

ClinVar aggregate classification (germline): Uncertain significance (1 of 4 stars; one submission).

Submission:

Ambry Genetics
Classification: Uncertain significance. Last evaluated: 2026-05-16. Review status: criteria provided, single submitter. Criteria: Ambry Variant Classification Scheme 2023. Collection method: clinical testing. Allele origin: germline.
Comment: The p.C790S variant (also known as c.2368T>A), located in coding exon 13 of the ATRIP gene, results from a T to A substitution at nucleotide position 2368. The cysteine at codon 790 is replaced by serine, an amino acid with dissimilar properties. This amino acid position is conserved. In addition, this alteration is predicted to be tolerated by in silico analysis. Based on the available evidence, the clinical significance of this variant remains unclear.